The following is an entry in ClinVar:

ClinVar aggregate classification (germline): Benign. Review status: criteria provided, multiple submitters, no conflicts (2 of 4 stars). 2 submissions from 2 submitters: Benign (2). Last evaluated 2018-06-16.

Allele frequency attached by ClinVar (database versions not stated): gnomAD 0.05773 and 0.05537; TOPMed 0.06169; 1000 Genomes Project 0.06170; 1000 Genomes Project 30x 0.06668.
gnomAD v4.1: 8,376 of 152,222 alleles (5.5%); highest among the groups gnomAD compares: African/African-American, 15%; 501 homozygotes.

Submissions (2):

GeneDx
Classification: Benign. Last evaluated: 2018-06-16. Review status: criteria provided, single submitter. Criteria: GeneDx Variant Classification (06012015). Collection method: clinical testing. Allele origin: germline. Affected: yes.
Comment: This variant is considered likely benign or benign based on one or more of the following criteria: it is a conservative change, it occurs at a poorly conserved position in the protein, it is predicted to be benign by multiple in silico algorithms, and/or has population frequency not consistent with disease.

Breakthrough Genomics
Classification: Benign. Review status: criteria provided, single submitter. Criteria: ACMG Guidelines, 2015. Collection method: not provided. Allele origin: germline. Inheritance: Autosomal recessive inheritance. Affected: yes.

NM_004369.4(COL6A3):c.6966+167C>T

Gene: COL6A3 (collagen type VI alpha 3 chain; minus strand). Cytogenetic location: 2q37.3.
Variant type: single nucleotide variant.
Coding change: c.6966+167C>T on transcript NM_004369.4 (MANE Select); 167 bases into the intron after coding-DNA position 6966, C replaced by T.
Molecular consequence: intron variant.
Genome position (GRCh38, 1-based): chr2:237,348,182, G>A on the plus strand (C>T on the coding strand, the complement: COL6A3 is on the minus strand). VCF-style: chr2-237348182-G-A. GRCh37 (hg19) VCF-style: chr2-238256825-G-A.
Other names: c.5145+167C>T (NM_057166.5); c.6348+167C>T (NM_057167.4).
Identifiers: ClinVar variation 677540 (VCV000677540.2), dbSNP rs13402341, ClinGen allele CA67842620.